The following is an entry in ClinVar:

ClinVar aggregate classification (germline): Uncertain significance (1 of 4 stars; one submission).

Submission:

Centre of Medical Genetics, University Hospital Muenster
Classification: Uncertain significance. Last evaluated: 2023-04-19. Review status: criteria provided, single submitter. Criteria: ACMG Guidelines, 2015. Collection method: clinical testing. Allele origin: unknown. Affected: yes. Observed: 1 variant allele, 1 heterozygote.
Comment: ACMG categories: PM2

NM_002240.5(KCNJ6):c.353G>T (p.Arg118Leu)

Genes: KCNJ6 (potassium inwardly rectifying channel subfamily J member 6; minus strand), KCNJ6-AS1 (KCNJ6 antisense RNA 1; plus strand). Cytogenetic location: 21q22.13.
Variant type: single nucleotide variant.
Coding change: c.353G>T on transcript NM_002240.5 (MANE Select); coding-DNA position 353, G replaced by T.
Protein change: p.Arg118Leu; replaces arginine 118 with leucine.
Molecular consequence: missense variant. On other transcripts: non-coding transcript variant (1).
Genome position (GRCh38, 1-based): chr21:37,714,804, C>A on the plus strand (G>T on the coding strand, the complement: KCNJ6 is on the minus strand). VCF-style: chr21-37714804-C-A. GRCh37 (hg19) VCF-style: chr21-39087107-C-A.
Other names: short protein forms R118L.
Identifiers: ClinVar variation 2504159 (VCV002504159.2), dbSNP rs962612911, ClinGen allele CA409969007.
Genomic context (GRCh38, chr21:37,714,804, plus strand): 5'-CCGTTGAGGTTGGTAACACAAGGAGTCCAGGAGGGGTCCTCTATGTGGTCCATGTCTCCC[C>A]GTATGTATGCGATCAACCACCAGATCATTCCAAAAAAGAGCCAGGTCACTGTGTAAACCA-3'
Protein context (NP_002231.1, residues 108-128): GMIWWLIAYI[Arg118Leu]GDMDHIEDPS